The following is an entry in ClinVar:

ClinVar aggregate classification (germline): Uncertain significance. Review status: criteria provided, multiple submitters, no conflicts (2 of 4 stars). 2 submissions from 2 submitters: Uncertain significance (2). Last evaluated 2019-12-19.

Conditions:
Familial adenomatous polyposis 2. Also called: FAP type 2; MUTYH Polyposis; COLORECTAL ADENOMATOUS POLYPOSIS, AUTOSOMAL RECESSIVE; ADENOMAS, MULTIPLE COLORECTAL, AUTOSOMAL RECESSIVE; MUTYH-associated polyposis; MUTYH-related attenuated familial adenomatous polyposis. Identifiers: Orphanet 220460, Orphanet 247798, MedGen C3272841, MONDO:0012041, OMIM 608456.

Submissions (2):

Labcorp Genetics (formerly Invitae), Labcorp
Classification: Uncertain significance for Familial adenomatous polyposis 2. Last evaluated: 2019-12-19. Review status: criteria provided, single submitter. Criteria: Invitae Variant Classification Sherloc (09022015). Collection method: clinical testing. Allele origin: germline.
Comment: In summary, the available evidence is currently insufficient to determine the role of this variant in disease. Therefore, it has been classified as a Variant of Uncertain Significance. Algorithms developed to predict the effect of missense changes on protein structure and function (SIFT, PolyPhen-2, Align-GVGD) all suggest that this variant is likely to be disruptive, but these predictions have not been confirmed by published functional studies and their clinical significance is uncertain. This variant has not been reported in the literature in individuals with MUTYH-related conditions. This variant is not present in population databases (ExAC no frequency). This sequence change replaces glycine with arginine at codon 400 of the MUTYH protein (p.Gly400Arg). The glycine residue is highly conserved and there is a moderate physicochemical difference between glycine and arginine.

GeneDx
Classification: Uncertain significance. Last evaluated: 2019-10-01. Review status: criteria provided, single submitter. Criteria: GeneDx Variant Classification Process June 2021. Collection method: clinical testing. Allele origin: germline. Affected: yes.
Comment: Not observed in large population cohorts (Lek 2016); In silico analysis, which includes protein predictors and evolutionary conservation, supports a deleterious effect; Has not been previously published as pathogenic or benign to our knowledge

NM_001048174.2(MUTYH):c.1114G>A (p.Gly372Arg)

Gene: MUTYH (mutY DNA glycosylase; minus strand). Cytogenetic location: 1p34.1.
Variant type: single nucleotide variant.
Coding change: c.1114G>A on transcript NM_001048174.2 (MANE Select); coding-DNA position 1114, G replaced by A.
Protein change: p.Gly372Arg; replaces glycine 372 with arginine.
Molecular consequence: missense variant. On other transcripts: non-coding transcript variant (2).
Genome position (GRCh38, 1-based): chr1:45,331,545, C>T on the plus strand (G>A on the coding strand, the complement: MUTYH is on the minus strand). VCF-style: chr1-45331545-C-T. GRCh37 (hg19) VCF-style: chr1-45797217-C-T.
Other names: c.1114G>A, p.Gly372Arg (NM_001048171.2, NM_001048173.2, NM_001293195.2); c.1117G>A, p.Gly373Arg (NM_001048172.2); c.1198G>A, p.Gly400Arg (NM_001128425.2); c.1159G>A, p.Gly387Arg (NM_001293190.2); c.1147G>A, p.Gly383Arg (NM_001293191.2); c.838G>A, p.Gly280Arg (NM_001293192.2, NM_001293196.2); c.769G>A, p.Gly257Arg (NM_001350650.2, NM_001350651.2); c.1189G>A, p.Gly397Arg (NM_012222.3); short protein forms G372R, G373R, G280R, G397R, G257R, G383R, G387R, G400R.
Identifiers: ClinVar variation 838705 (VCV000838705.13), dbSNP rs1644862174, ClinGen allele CA340133164.